The following is an entry in ClinVar:

NM_000535.7(PMS2):c.2011A>G (p.Thr671Ala)

Gene: PMS2 (PMS1 homolog 2, mismatch repair system component; minus strand). Cytogenetic location: 7p22.1.
Variant type: single nucleotide variant.
Coding change: c.2011A>G on transcript NM_000535.7 (MANE Select); coding-DNA position 2011, A replaced by G.
Protein change: p.Thr671Ala; replaces threonine 671 with alanine.
Molecular consequence: missense variant. On other transcripts: non-coding transcript variant (1).
Genome position (GRCh38, 1-based): chr7:5,982,987, T>C on the plus strand (A>G on the coding strand, the complement: PMS2 is on the minus strand). VCF-style: chr7-5982987-T-C. GRCh37 (hg19) VCF-style: chr7-6022618-T-C.
Other names: c.1606A>G, p.Thr536Ala (NM_001322003.2, NM_001322004.2, NM_001322005.2 and 1 more transcripts); c.1855A>G, p.Thr619Ala (NM_001322006.2); c.1693A>G, p.Thr565Ala (NM_001322007.2, NM_001322008.2); c.1450A>G, p.Thr484Ala (NM_001322010.2); c.1078A>G, p.Thr360Ala (NM_001322011.2, NM_001322012.2); c.1438A>G, p.Thr480Ala (NM_001322013.2); c.2011A>G, p.Thr671Ala (NM_001322014.2); c.1702A>G, p.Thr568Ala (NM_001322015.2); short protein forms T671A, T484A, T565A, T360A, T568A, T480A, T536A, T619A.
Identifiers: ClinVar variation 234561 (VCV000234561.16), dbSNP rs876661087, ClinGen allele CA10577333.
Genomic context (GRCh38, chr7:5,982,987, plus strand): 5'-GTTTGGTTATTATAAATCCCAGGTTAAACTGACCAATGATTTCCATTTCTGCAAACATCG[T>C]TTTACTGCAGGTAGAAAATGTTAATTATCAGACATTTTACAAGATTATTTTTCTGATTAT-3'
Protein context (NP_000526.2, residues 661-681): EDELRKEISK[Thr671Ala]MFAEMEIIGQ

ClinVar aggregate classification (germline): Conflicting classifications of pathogenicity. Review status: criteria provided, conflicting classifications (1 of 4 stars). 4 submissions from 4 submitters: Uncertain significance (3); Likely benign (1). Last evaluated 2025-11-17.

Conditions:
Hereditary nonpolyposis colorectal neoplasms. Identifiers: MedGen C0009405, MeSH D003123.
Hereditary cancer-predisposing syndrome. Also called: Hereditary neoplastic syndrome; Hereditary Cancer Syndrome; Neoplastic Syndromes, Hereditary; Tumor predisposition. Identifiers: Orphanet 140162, MedGen C0027672, MeSH D009386, MONDO:0015356.
Lynch syndrome 4 (LYNCH4). Also called: Colorectal cancer, hereditary nonpolyposis, type 4; Hereditary non-polyposis colorectal cancer, type 4. Identifiers: Orphanet 144, MedGen C1838333, MONDO:0013699, OMIM 614337. Disease mechanism: loss of function.

Allele frequency attached by ClinVar (database versions not stated): TOPMed 0.00001.

Submissions (4):

Labcorp Genetics (formerly Invitae), Labcorp
Classification: Uncertain significance for Hereditary nonpolyposis colorectal neoplasms. Last evaluated: 2025-11-17. Review status: criteria provided, single submitter. Criteria: Invitae Variant Classification Sherloc (09022015). Collection method: clinical testing. Allele origin: germline.
Comment: This sequence change replaces threonine, which is neutral and polar, with alanine, which is neutral and non-polar, at codon 671 of the PMS2 protein (p.Thr671Ala). The frequency data for this variant in the population databases (gnomAD) is considered unreliable due to the presence of homologous sequence, such as pseudogenes or paralogs, in the genome. This variant has not been reported in the literature in individuals affected with PMS2-related conditions. ClinVar contains an entry for this variant (Variation ID: 234561). Invitae Evidence Modeling incorporating data from in vitro experimental studies (internal data) indicates that this missense variant is not expected to disrupt PMS2 function with a negative predictive value of 95%. In summary, the available evidence is currently insufficient to determine the role of this variant in disease. Therefore, it has been classified as a Variant of Uncertain Significance.

Ambry Genetics
Classification: Likely benign for Hereditary cancer-predisposing syndrome. Last evaluated: 2025-05-01. Review status: criteria provided, single submitter. Criteria: Ambry Variant Classification Scheme 2023. Collection method: clinical testing. Allele origin: germline.

Baylor Genetics
Classification: Uncertain significance for Lynch syndrome 4. Last evaluated: 2024-01-10. Review status: criteria provided, single submitter. Criteria: ACMG Guidelines, 2015. Collection method: clinical testing. Allele origin: unknown.

GeneDx
Classification: Uncertain significance. Last evaluated: 2017-02-01. Review status: criteria provided, single submitter. Criteria: GeneDx Variant Classification (06012015). Collection method: clinical testing. Allele origin: germline. Affected: yes.
Comment: This variant is denoted PMS2 c.2011A>G at the cDNA level, p.Thr671Ala (T671A) at the protein level, and results in the change of a Threonine to an Alanine (ACG>GCG). This variant has not, to our knowledge, been published in the literature as pathogenic or benign. PMS2 Thr671Ala was not observed in approximately 6,100 individuals of European and African American ancestry in the NHLBI Exome Sequencing Project, suggesting it is not a common benign variant in these populations. Since Threonine and Alanine differ in polarity, charge, size or other properties, this is considered a non-conservative amino acid substitution. PMS2 Thr671Ala occurs at a position that is not conserved and is located in the MLH1 interaction domain (Kondo 2001). In silico analyses are inconsistent regarding the effect this variant may have on protein structure and function. Based on currently available evidence, it is unclear whether PMS2 Thr671Ala is a pathogenic or benign variant. We consider it to be a variant of uncertain significance.